The following is an entry in ClinVar:

ClinVar aggregate classification (germline): Uncertain significance. Review status: criteria provided, multiple submitters, no conflicts (2 of 4 stars). 2 submissions from 2 submitters: Uncertain significance (2). Last evaluated 2025-07-07.

Conditions:
Inborn genetic diseases. Identifiers: MedGen C0950123, MeSH D030342.
Drash syndrome (DDS). Also called: NEPHROPATHY, WILMS TUMOR, AND GENITAL ANOMALIES; WILMS TUMOR AND PSEUDO- OR TRUE HERMAPHRODITISM. Identifiers: Orphanet 220, MedGen C0950121, MONDO:0008682, OMIM 194080.
Wilms tumor 1 (WT1). Also called: Wilms tumor, somatic. Identifiers: Orphanet 654, MedGen CN033288, MONDO:0008679, OMIM 194070.
11p partial monosomy syndrome (WAGR). Also called: CHROMOSOME 11p13 DELETION SYNDROME; WAGR syndrome; WAGR Complex; WAGR Spectrum Disorder. Identifiers: Orphanet 893, MedGen C0206115, MONDO:0008681, OMIM 194072.
Frasier syndrome. Identifiers: Orphanet 347, MedGen C0950122, MeSH D052159, MONDO:0007635, OMIM 136680.

Submissions (2):

Ambry Genetics
Classification: Uncertain significance for Inborn genetic diseases. Last evaluated: 2025-07-07. Review status: criteria provided, single submitter. Criteria: Ambry Variant Classification Scheme 2023. Collection method: clinical testing. Allele origin: germline.
Comment: The p.P125L variant (also known as c.374C>T), located in coding exon 1 of the WT1 gene, results from a C to T substitution at nucleotide position 374. The proline at codon 125 is replaced by leucine, an amino acid with similar properties. This amino acid position is conserved. In addition, the in silico prediction for this alteration is inconclusive. Based on the available evidence, the clinical significance of this variant remains unclear.

Labcorp Genetics (formerly Invitae), Labcorp
Classification: Uncertain significance for Wilms tumor 1; Drash syndrome; 11p partial monosomy syndrome; Frasier syndrome. Last evaluated: 2023-05-11. Review status: criteria provided, single submitter. Criteria: Invitae Variant Classification Sherloc (09022015). Collection method: clinical testing. Allele origin: germline.
Comment: In summary, the available evidence is currently insufficient to determine the role of this variant in disease. Therefore, it has been classified as a Variant of Uncertain Significance. An algorithm developed to predict the effect of missense changes on protein structure and function (PolyPhen-2) suggests that this variant is likely to be disruptive. This variant has not been reported in the literature in individuals affected with WT1-related conditions. This variant is not present in population databases (gnomAD no frequency). This sequence change replaces proline, which is neutral and non-polar, with leucine, which is neutral and non-polar, at codon 125 of the WT1 protein (p.Pro125Leu).

NM_024426.6(WT1):c.389C>T (p.Pro130Leu)

Genes: WT1 (WT1 transcription factor; minus strand), LOC107982234 (WT1/WT1-AS bi-directional promoter region; plus strand). Cytogenetic location: 11p13.
Variant type: single nucleotide variant.
Coding change: c.389C>T on transcript NM_024426.6 (MANE Select); coding-DNA position 389, C replaced by T.
Protein change: p.Pro130Leu; replaces proline 130 with leucine.
Molecular consequence: missense variant. On other transcripts: non-coding transcript variant (2).
Genome position (GRCh38, 1-based): chr11:32,434,972, G>A on the plus strand (C>T on the coding strand, the complement: WT1 is on the minus strand). VCF-style: chr11-32434972-G-A. GRCh37 (hg19) VCF-style: chr11-32456518-G-A.
Other names: c.389C>T, p.Pro130Leu (NM_000378.6, NM_001407044.1, NM_001407045.1 and 6 more transcripts); c.374C>T, p.Pro125Leu (NM_024425.2); c.374C>T (NM_024426.4); short protein forms P130L, P125L.
Identifiers: ClinVar variation 2947644 (VCV002947644.4), dbSNP rs2133104012, ClinGen allele CA379965796.